The following is an entry in ClinVar:

NM_001042492.3(NF1):c.293C>G (p.Pro98Arg)

Gene: NF1 (neurofibromin 1; plus strand). Cytogenetic location: 17q11.2.
Variant type: single nucleotide variant.
Coding change: c.293C>G on transcript NM_001042492.3 (MANE Select); coding-DNA position 293, C replaced by G.
Protein change: p.Pro98Arg; replaces proline 98 with arginine.
Molecular consequence: missense variant.
Genome position (GRCh38, 1-based): chr17:31,163,190, C>G. VCF-style: chr17-31163190-C-G. GRCh37 (hg19) VCF-style: chr17-29490208-C-G.
Other names: c.293C>G, p.Pro98Arg (NM_000267.4, NM_001128147.3); short protein forms P98R.
Identifiers: ClinVar variation 1797898 (VCV001797898.4), dbSNP rs780979519, ClinGen allele CA8485528.

ClinVar aggregate classification (germline): Uncertain significance. Review status: criteria provided, multiple submitters, no conflicts (2 of 4 stars). 2 submissions from 2 submitters: Uncertain significance (2). Last evaluated 2024-07-18.

Conditions:
Hereditary cancer-predisposing syndrome. Also called: Neoplastic Syndromes, Hereditary; Tumor predisposition; Hereditary neoplastic syndrome; Hereditary Cancer Syndrome. Identifiers: Orphanet 140162, MedGen C0027672, MeSH D009386, MONDO:0015356.
Cardiovascular phenotype. Identifiers: MedGen CN230736.
Neurofibromatosis, type 1 (NF1). Also called: NEUROFIBROMATOSIS, TYPE I, SOMATIC; Peripheral type neurofibromatosis; VON RECKLINGHAUSEN DISEASE; Neurofibromatosis, type I. Identifiers: Orphanet 636, MedGen C0027831, MONDO:0018975, OMIM 162200. Disease mechanism: loss of function.

Allele frequency attached by ClinVar (database versions not stated): gnomAD exomes below 0.00001; ExAC 0.00001.
gnomAD v4.1: 2 of 1,613,784 alleles (0.00012%); highest among the groups gnomAD compares: South Asian, 0.0022%; no homozygotes.

Submissions (2):

Labcorp Genetics (formerly Invitae), Labcorp
Classification: Uncertain significance for Neurofibromatosis, type 1. Last evaluated: 2024-07-18. Review status: criteria provided, single submitter. Criteria: Invitae Variant Classification Sherloc (09022015). Collection method: clinical testing. Allele origin: germline.
Comment: This sequence change replaces proline, which is neutral and non-polar, with arginine, which is basic and polar, at codon 98 of the NF1 protein (p.Pro98Arg). This variant is present in population databases (rs780979519, gnomAD 0.006%). This variant has not been reported in the literature in individuals affected with NF1-related conditions. ClinVar contains an entry for this variant (Variation ID: 1797898). Advanced modeling of protein sequence and biophysical properties (such as structural, functional, and spatial information, amino acid conservation, physicochemical variation, residue mobility, and thermodynamic stability) performed at Invitae indicates that this missense variant is expected to disrupt NF1 protein function with a positive predictive value of 95%. In summary, the available evidence is currently insufficient to determine the role of this variant in disease. Therefore, it has been classified as a Variant of Uncertain Significance.

Ambry Genetics
Classification: Uncertain significance for Cardiovascular phenotype; Hereditary cancer-predisposing syndrome. Last evaluated: 2021-08-18. Review status: criteria provided, single submitter. Criteria: Ambry Variant Classification Scheme 2023. Collection method: clinical testing. Allele origin: germline.
Comment: The p.P98R variant (also known as c.293C>G), located in coding exon 4 of the NF1 gene, results from a C to G substitution at nucleotide position 293. The proline at codon 98 is replaced by arginine, an amino acid with dissimilar properties. This amino acid position is well conserved in available vertebrate species. In addition, the in silico prediction for this alteration is inconclusive. Since supporting evidence is limited at this time, the clinical significance of this alteration remains unclear.